The following is an entry in ClinVar:

NM_007294.4(BRCA1):c.5319C>A (p.Thr1773=)

Gene: BRCA1 (BRCA1 DNA repair associated; minus strand). Cytogenetic location: 17q21.31.
Variant type: single nucleotide variant.
Coding change: c.5319C>A on transcript NM_007294.4 (MANE Select); coding-DNA position 5319, C replaced by A.
Protein change: p.Thr1773=; no amino-acid change (threonine 1773 retained).
Molecular consequence: synonymous variant. On other transcripts: intron variant (2).
Genome position (GRCh38, 1-based): chr17:43,051,076, G>T on the plus strand (C>A on the coding strand, the complement: BRCA1 is on the minus strand). VCF-style: chr17-43051076-G-T. GRCh37 (hg19) VCF-style: chr17-41203093-G-T.
Other names: c.5319C>A, p.Thr1773= (NM_001407605.1, NM_001407593.1, NM_001407594.1 and 6 more transcripts); c.5316C>A, p.Thr1772= (NM_001407610.1, NM_001407611.1, NM_001407612.1 and 17 more transcripts); c.5313C>A, p.Thr1771= (NM_001407627.1, NM_001407628.1, NM_001407629.1 and 14 more transcripts); c.5310C>A, p.Thr1770= (NM_001407644.1, NM_001407645.1); c.5307C>A, p.Thr1769= (NM_001407646.1); c.5304C>A, p.Thr1768= (NM_001407647.1); c.5262C>A, p.Thr1754= (NM_001407648.1); c.5259C>A, p.Thr1753= (NM_001407649.1); and 74 more.
Identifiers: ClinVar variation 865593 (VCV000865593.11), dbSNP rs1555575689, ClinGen allele CA500143583.

ClinVar aggregate classification (germline): Likely benign (1 of 4 stars; one submission).

Conditions:
Hereditary breast ovarian cancer syndrome. Also called: Hereditary breast and/or ovarian cancer syndrome; BRCA1- and BRCA2-Associated Hereditary Breast and Ovarian Cancer; Hereditary breast and ovarian cancer syndrome; Hereditary breast and ovarian cancer; Hereditary breast and ovarian cancer syndrome (HBOC); Breast and ovarian cancer. Identifiers: Orphanet 145, MedGen C0677776, MeSH D061325, MONDO:0003582. Disease mechanism: loss of function.

Submissions (2):

Labcorp Genetics (formerly Invitae), Labcorp
Classification: Likely benign for Hereditary breast ovarian cancer syndrome. Last evaluated: 2021-05-20. Review status: criteria provided, single submitter. Criteria: Invitae Variant Classification Sherloc (09022015). Collection method: clinical testing. Allele origin: germline.

Brotman Baty Institute, University of Washington
No classification provided (evidence only). Condition: Breast-ovarian cancer, familial 1. Review status: no classification provided. Collection method: in vitro. Allele origin: not applicable. Functional consequence: functionally_normal. Not counted in ClinVar's aggregate classification.
ClinVar note: "not provided" was previously submitted as the classification for the variant. However, the classification appeared to be based only on an observation of functional data so it was converted to no classification on 2025-07-30.